The following is an entry in ClinVar:

ClinVar aggregate classification (germline): Uncertain significance (1 of 4 stars; one submission).

Allele frequency attached by ClinVar (database versions not stated): gnomAD 0.00001; gnomAD exomes 0.00001; TOPMed 0.00001; ExAC 0.00002.
gnomAD v4.1: 11 of 1,614,038 alleles (0.00068%); highest among the groups gnomAD compares: South Asian, 0.0022%; no homozygotes.

Submission:

Labcorp Genetics (formerly Invitae), Labcorp
Classification: Uncertain significance. Last evaluated: 2024-12-23. Review status: criteria provided, single submitter. Criteria: Invitae Variant Classification Sherloc (09022015). Collection method: clinical testing. Allele origin: germline.
Comment: This sequence change replaces glycine, which is neutral and non-polar, with serine, which is neutral and polar, at codon 1267 of the SIN3A protein (p.Gly1267Ser). This variant is present in population databases (rs748896058, gnomAD 0.003%). This variant has not been reported in the literature in individuals affected with SIN3A-related conditions. ClinVar contains an entry for this variant (Variation ID: 1988667). Invitae Evidence Modeling of protein sequence and biophysical properties (such as structural, functional, and spatial information, amino acid conservation, physicochemical variation, residue mobility, and thermodynamic stability) indicates that this missense variant is not expected to disrupt SIN3A protein function with a negative predictive value of 80%. In summary, the available evidence is currently insufficient to determine the role of this variant in disease. Therefore, it has been classified as a Variant of Uncertain Significance.

NM_001145358.2(SIN3A):c.3799G>A (p.Gly1267Ser)

Gene: SIN3A (SIN3 transcription regulator family member A; minus strand). Cytogenetic location: 15q24.2.
Variant type: single nucleotide variant.
Coding change: c.3799G>A on transcript NM_001145358.2 (MANE Select); coding-DNA position 3799, G replaced by A.
Protein change: p.Gly1267Ser; replaces glycine 1267 with serine.
Molecular consequence: missense variant.
Genome position (GRCh38, 1-based): chr15:75,372,002, C>T on the plus strand (G>A on the coding strand, the complement: SIN3A is on the minus strand). VCF-style: chr15-75372002-C-T. GRCh37 (hg19) VCF-style: chr15-75664343-C-T.
Other names: c.3799G>A, p.Gly1267Ser (NM_001145357.2, NM_015477.3); short protein forms G1267S.
Identifiers: ClinVar variation 1988667 (VCV001988667.4), dbSNP rs748896058, ClinGen allele CA7667166.